The following is an entry in ClinVar:

NM_130384.3(ATRIP):c.2322T>A (p.Asp774Glu)

Genes: ATRIP (ATR interacting protein; plus strand), ATRIP-TREX1 (ATRIP-TREX1 readthrough; plus strand), LOC129936704 (ATAC-STARR-seq lymphoblastoid active region 19829; plus strand). Cytogenetic location: 3p21.31.
Variant type: single nucleotide variant.
Coding change: c.2322T>A on transcript NM_130384.3 (MANE Select); coding-DNA position 2322, T replaced by A.
Protein change: p.Asp774Glu; replaces aspartic acid 774 with glutamic acid.
Molecular consequence: missense variant. On other transcripts: non-coding transcript variant (1).
Genome position (GRCh38, 1-based): chr3:48,465,500, T>A. VCF-style: chr3-48465500-T-A. GRCh37 (hg19) VCF-style: chr3-48506899-T-A.
Other names: c.1941T>A, p.Asp647Glu (NM_001271022.2); c.2043T>A, p.Asp681Glu (NM_001271023.2); c.2241T>A, p.Asp747Glu (NM_032166.4); short protein forms D647E, D747E, D681E, D774E.
Identifiers: ClinVar variation 5032464 (VCV005032464.1).

ClinVar aggregate classification (germline): Uncertain significance (1 of 4 stars; one submission).

Submission:

Ambry Genetics
Classification: Uncertain significance. Last evaluated: 2026-08-19. Review status: criteria provided, single submitter. Criteria: Ambry Variant Classification Scheme 2023. Collection method: clinical testing. Allele origin: germline.
Comment: The p.D774E variant (also known as c.2322T>A), located in coding exon 13 of the ATRIP gene, results from a T to A substitution at nucleotide position 2322. The aspartic acid at codon 774 is replaced by glutamic acid, an amino acid with highly similar properties. This amino acid position is conserved. In addition, this alteration is predicted to be tolerated by in silico analysis. Based on the available evidence, the clinical significance of this variant remains unclear.